The following is an entry in ClinVar:

ClinVar aggregate classification (germline): Uncertain significance (1 of 4 stars; one submission).

Conditions:
Hereditary cancer-predisposing syndrome. Also called: Neoplastic Syndromes, Hereditary; Tumor predisposition; Hereditary Cancer Syndrome; Hereditary neoplastic syndrome. Identifiers: Orphanet 140162, MedGen C0027672, MeSH D009386, MONDO:0015356.

Submission:

Ambry Genetics
Classification: Uncertain significance for Hereditary cancer-predisposing syndrome. Last evaluated: 2025-11-24. Review status: criteria provided, single submitter. Criteria: Ambry Variant Classification Scheme 2023. Collection method: clinical testing. Allele origin: germline.
Comment: The p.R38K variant (also known as c.113G>A), located in coding exon 1 of the CDK4 gene, results from a G to A substitution at nucleotide position 113. The arginine at codon 38 is replaced by lysine, an amino acid with highly similar properties. This amino acid position is well conserved in available vertebrate species. In addition, this alteration is predicted to be tolerated by in silico analysis. Based on the available evidence, the clinical significance of this variant remains unclear.

NM_000075.4(CDK4):c.113G>A (p.Arg38Lys)

Gene: CDK4 (cyclin dependent kinase 4; minus strand). Cytogenetic location: 12q14.1.
Variant type: single nucleotide variant.
Coding change: c.113G>A on transcript NM_000075.4 (MANE Select); coding-DNA position 113, G replaced by A.
Protein change: p.Arg38Lys; replaces arginine 38 with lysine.
Molecular consequence: missense variant.
Genome position (GRCh38, 1-based): chr12:57,751,605, C>T on the plus strand (G>A on the coding strand, the complement: CDK4 is on the minus strand). VCF-style: chr12-57751605-C-T. GRCh37 (hg19) VCF-style: chr12-58145388-C-T.
Other names: short protein forms R38K.
Identifiers: ClinVar variation 4633190 (VCV004633190.1).